The following is an entry in ClinVar:

ClinVar aggregate classification (germline): Uncertain significance (1 of 4 stars; one submission).

Submission:

Labcorp Genetics (formerly Invitae), Labcorp
Classification: Uncertain significance. Last evaluated: 2024-10-22. Review status: criteria provided, single submitter. Criteria: Invitae Variant Classification Sherloc (09022015). Collection method: clinical testing. Allele origin: germline.
Comment: This variant, c.8248_8250del, results in the deletion of 1 amino acid(s) of the VCAN protein (p.Glu2750del), but otherwise preserves the integrity of the reading frame. This variant is present in population databases (no rsID available, gnomAD 0.0009%). This variant has been observed in individual(s) with clinical features of retinitis pigmentosa (internal data). Experimental studies and prediction algorithms are not available or were not evaluated, and the functional significance of this variant is currently unknown. In summary, the available evidence is currently insufficient to determine the role of this variant in disease. Therefore, it has been classified as a Variant of Uncertain Significance.

NM_004385.5(VCAN):c.8245GAG[1] (p.Glu2750del)

Genes: VCAN (versican; plus strand), VCAN-AS1 (VCAN antisense RNA 1; minus strand). Cytogenetic location: 5q14.3.
Variant type: Microsatellite.
Coding change: c.8245GAG[1] on transcript NM_004385.5 (MANE Select); one copy of the 3-base unit GAG starting at c.8245; the reference has two copies in a row; one copy, 3 bases deleted.
Protein change: p.Glu2750del; deletes glutamic acid 2750.
Molecular consequence: inframe deletion. On other transcripts: intron variant (2).
Genome position (GRCh38, 1-based): chr5:83,541,251-83,541,253, GAG deleted; deleting any 3 consecutive bases within chr5:83,541,246-83,541,253 gives the same sequence; the position shown is the placement nearest the transcript's 3' end. VCF-style (leftmost placement, unchanged base first): chr5-83541245-CAGG-C. GRCh37 (hg19) VCF-style: chr5-82837064-CAGG-C.
Other names: c.5284GAG[1], p.Glu1763del (NM_001164097.2); c.4004-4286_4004-4284del (NM_001164098.2); c.1043-4286_1043-4284del (NM_001126336.3); short protein forms E2750del, E1763del.
Identifiers: ClinVar variation 1382244 (VCV001382244.6), dbSNP rs1395111263, ClinGen allele CA561259263.